The following is an entry in ClinVar:

NM_145290.4(ADGRA3):c.2918A>G (p.Gln973Arg)

Gene: ADGRA3 (adhesion G protein-coupled receptor A3; minus strand). Cytogenetic location: 4p15.2.
Variant type: single nucleotide variant.
Coding change: c.2918A>G on transcript NM_145290.4 (MANE Select); coding-DNA position 2918, A replaced by G.
Protein change: p.Gln973Arg; replaces glutamine 973 with arginine.
Molecular consequence: missense variant.
Genome position (GRCh38, 1-based): chr4:22,388,753, T>C on the plus strand (A>G on the coding strand, the complement: ADGRA3 is on the minus strand). VCF-style: chr4-22388753-T-C. GRCh37 (hg19) VCF-style: chr4-22390376-T-C.
Other names: short protein forms Q973R.
Identifiers: ClinVar variation 1926417 (VCV001926417.5), dbSNP rs1336547600, ClinGen allele CA356474556.

ClinVar aggregate classification (germline): Uncertain significance (1 of 4 stars; one submission).

Allele frequency attached by ClinVar (database versions not stated): gnomAD exomes below 0.00001; TOPMed 0.00001.
gnomAD v4.1: 4 of 1,614,084 alleles (0.00025%); highest among the groups gnomAD compares: Admixed American, 0.0033%; no homozygotes.

Submission:

Labcorp Genetics (formerly Invitae), Labcorp
Classification: Uncertain significance. Last evaluated: 2022-08-20. Review status: criteria provided, single submitter. Criteria: Invitae Variant Classification Sherloc (09022015). Collection method: clinical testing. Allele origin: germline.
Comment: In summary, the available evidence is currently insufficient to determine the role of this variant in disease. Therefore, it has been classified as a Variant of Uncertain Significance. Algorithms developed to predict the effect of missense changes on protein structure and function (SIFT, PolyPhen-2, Align-GVGD) all suggest that this variant is likely to be tolerated. This sequence change replaces glutamine, which is neutral and polar, with arginine, which is basic and polar, at codon 973 of the ADGRA3 protein (p.Gln973Arg). This variant is present in population databases (no rsID available, gnomAD 0.006%). This variant has not been reported in the literature in individuals affected with ADGRA3-related conditions.